The following is an entry in ClinVar:

NM_178857.6(RP1L1):c.6418G>A (p.Glu2140Lys)

Gene: RP1L1 (RP1 like 1). Cytogenetic location: 8p23.1.
Variant type: single nucleotide variant.
Coding change: c.6418G>A on transcript NM_178857.6 (MANE Select); coding-DNA position 6418, G replaced by A.
Protein change: p.Glu2140Lys; replaces glutamic acid 2140 with lysine.
Molecular consequence: missense variant.
Genome position (GRCh38, 1-based): chr8:10,607,680, C>T on the plus strand (G>A on the coding strand, the complement: RP1L1 is on the minus strand). VCF-style: chr8-10607680-C-T. GRCh37 (hg19) VCF-style: chr8-10465190-C-T.
Other names: short protein forms E2140K.
Identifiers: ClinVar variation 361223 (VCV000361223.8), dbSNP rs72494282, ClinGen allele CA4623334.

ClinVar aggregate classification (germline): Benign. Review status: criteria provided, multiple submitters, no conflicts (2 of 4 stars). 4 submissions from 3 submitters: Benign (4). Last evaluated 2021-11-07.

Conditions:
Retinitis pigmentosa 88. Identifiers: MedGen C5394208, MONDO:0032940, OMIM 618826.
Occult macular dystrophy (OCMD). Also called: OMD; OCCULT MACULAR DYSTROPHY, SUSCEPTIBILITY TO. Identifiers: Orphanet 247834, MedGen C3150833, MONDO:0013316, OMIM 613587, HP:0030636.

Allele frequency attached by ClinVar (database versions not stated): ESP Exome Variant Server 0.12577; 1000 Genomes Project 30x 0.16240; 1000 Genomes Project 0.16993.
gnomAD v4.1: 213,197 of 1,602,150 alleles (13%); highest among the groups gnomAD compares: East Asian, 40%; 16,091 homozygotes.

Submissions (4):

Genome-Nilou Lab
Classification: Benign for Occult macular dystrophy. Last evaluated: 2021-11-07. Review status: criteria provided, single submitter. Criteria: ACMG Guidelines, 2015. Collection method: clinical testing. Allele origin: germline. Affected: no.

Genome-Nilou Lab
Classification: Benign for Retinitis pigmentosa 88. Last evaluated: 2021-11-07. Review status: criteria provided, single submitter. Criteria: ACMG Guidelines, 2015. Collection method: clinical testing. Allele origin: germline. Affected: no.

Illumina Laboratory Services, Illumina
Classification: Benign for Occult macular dystrophy. Last evaluated: 2018-01-12. Review status: criteria provided, single submitter. Criteria: ICSL Variant Classification Criteria 13 December 2019. Collection method: clinical testing. Allele origin: germline.
Comment: This variant was observed in the ICSL laboratory as part of a predisposition screen in an ostensibly healthy population. It had not been previously curated by ICSL or reported in the Human Gene Mutation Database (HGMD: prior to June 1st, 2018), and was therefore a candidate for classification through an automated scoring system. Utilizing variant allele frequency, disease prevalence and penetrance estimates, and inheritance mode, an automated score was calculated to assess if this variant is too frequent to cause the disease. Based on the score and internal cut-off values, a variant classified as benign is not then subjected to further curation. The score for this variant resulted in a classification of benign for this disease.

Breakthrough Genomics
Classification: Benign. Review status: criteria provided, single submitter. Criteria: ACMG Guidelines, 2015. Collection method: not provided. Allele origin: germline. Inheritance: Autosomal recessive inheritance. Affected: yes.